The following is an entry in ClinVar:

NC_000014.9:g.23409719C>A

Gene: MYH6 (myosin heavy chain 6; minus strand). Cytogenetic location: 14q11.2.
Variant type: single nucleotide variant.
Genome position: GRCh38 VCF-style: chr14-23409719-C-A. GRCh37 (hg19) VCF-style: chr14-23878928-C-A.
Identifiers: ClinVar variation 3772027 (VCV003772027.13).

ClinVar aggregate classification (germline): Benign (1 of 4 stars; one submission).

Submission:

CeGaT Center for Human Genetics Tuebingen
Classification: Benign. Last evaluated: 2025-08-01. Review status: criteria provided, single submitter. Criteria: CeGaT Center For Human Genetics Tuebingen Variant Classification Criteria Version 2. Collection method: clinical testing. Allele origin: germline. Affected: yes. Observed: 4 variant alleles.
Comment: MYH6: BS1, BS2